The following is an entry in ClinVar:

ClinVar aggregate classification (germline): Uncertain significance. Review status: criteria provided, multiple submitters, no conflicts (2 of 4 stars). 2 submissions from 2 submitters: Uncertain significance (2). Last evaluated 2026-03-26.

Conditions:
Inborn genetic diseases. Identifiers: MedGen C0950123, MeSH D030342.
Deafness-lymphedema-leukemia syndrome. Also called: Emberger syndrome; Lymphedema, primary, with myelodysplasia. Identifiers: Orphanet 3226, MedGen C3279664, MONDO:0013540, OMIM 614038.
Monocytopenia with susceptibility to infections. Also called: MONOCYTOPENIA AND MYCOBACTERIAL INFECTION SYNDROME; MONOCYTOPENIA WITH SUSCEPTIBILITY TO MYCOBACTERIAL, FUNGAL, AND PAPILLOMAVIRUS INFECTIONS AND MYELODYSPLASIA; COMBINED IMMUNODEFICIENCY WITH SUSCEPTIBILITY TO MYCOBACTERIAL, VIRAL, AND FUNGAL INFECTIONS; Dendritic cell, monocyte, B lymphocyte, and natural killer lymphocyte deficiency; GATA2 DEFICIENCY; IMMUNODEFICIENCY 21. Identifiers: Orphanet 228423, MedGen C3280030, MONDO:0013607, OMIM 614172.

Allele frequency attached by ClinVar (database versions not stated): gnomAD exomes below 0.00001.

Submissions (2):

Ambry Genetics
Classification: Uncertain significance for Inborn genetic diseases. Last evaluated: 2026-03-26. Review status: criteria provided, single submitter. Criteria: Ambry Variant Classification Scheme 2023. Collection method: clinical testing. Allele origin: germline.
Comment: The p.N114D variant (also known as c.340A>G), located in coding exon 2 of the GATA2 gene, results from an A to G substitution at nucleotide position 340. The asparagine at codon 114 is replaced by aspartic acid, an amino acid with highly similar properties. This amino acid position is well conserved in available vertebrate species. In addition, the in silico prediction for this alteration is inconclusive. Based on the available evidence, the clinical significance of this variant remains unclear.

Labcorp Genetics (formerly Invitae), Labcorp
Classification: Uncertain significance for Monocytopenia with susceptibility to infections; Deafness-lymphedema-leukemia syndrome. Last evaluated: 2025-06-02. Review status: criteria provided, single submitter. Criteria: Invitae Variant Classification Sherloc (09022015). Collection method: clinical testing. Allele origin: germline.
Comment: This sequence change replaces asparagine, which is neutral and polar, with aspartic acid, which is acidic and polar, at codon 114 of the GATA2 protein (p.Asn114Asp). This variant is not present in population databases (gnomAD no frequency). This variant has not been reported in the literature in individuals affected with GATA2-related conditions. ClinVar contains an entry for this variant (Variation ID: 2163448). Invitae Evidence Modeling of protein sequence and biophysical properties (such as structural, functional, and spatial information, amino acid conservation, physicochemical variation, residue mobility, and thermodynamic stability) has been performed for this missense variant. However, the output from this modeling did not meet the statistical confidence thresholds required to predict the impact of this variant on GATA2 protein function. In summary, the available evidence is currently insufficient to determine the role of this variant in disease. Therefore, it has been classified as a Variant of Uncertain Significance.

NM_032638.5(GATA2):c.340A>G (p.Asn114Asp)

Gene: GATA2 (GATA binding protein 2; minus strand). Cytogenetic location: 3q21.3.
Variant type: single nucleotide variant.
Coding change: c.340A>G on transcript NM_032638.5 (MANE Select); coding-DNA position 340, A replaced by G.
Protein change: p.Asn114Asp; replaces asparagine 114 with aspartic acid.
Molecular consequence: missense variant.
Genome position (GRCh38, 1-based): chr3:128,486,258, T>C on the plus strand (A>G on the coding strand, the complement: GATA2 is on the minus strand). VCF-style: chr3-128486258-T-C. GRCh37 (hg19) VCF-style: chr3-128205101-T-C.
Other names: c.340A>G, p.Asn114Asp (NM_001145661.2, NM_001145662.1); short protein forms N114D.
Identifiers: ClinVar variation 2163448 (VCV002163448.5), dbSNP rs2472931855, ClinGen allele CA354407245.